The following is an entry in ClinVar:

ClinVar aggregate classification (germline): Uncertain significance (1 of 4 stars; one submission).

Conditions:
Familial temporal lobe epilepsy 7. Identifiers: Orphanet 101046, MedGen C4225327, MONDO:0014639, OMIM 616436.
Norman-Roberts syndrome (LIS2). Also called: Lissencephaly 2 (Norman-Roberts type). Identifiers: Orphanet 89844, MedGen C0796089, MONDO:0009760, OMIM 257320.

Submission:

Labcorp Genetics (formerly Invitae), Labcorp
Classification: Uncertain significance for Familial temporal lobe epilepsy 7; Norman-Roberts syndrome. Last evaluated: 2023-07-25. Review status: criteria provided, single submitter. Criteria: Invitae Variant Classification Sherloc (09022015). Collection method: clinical testing. Allele origin: germline.
Comment: This sequence change replaces cysteine, which is neutral and slightly polar, with arginine, which is basic and polar, at codon 2800 of the RELN protein (p.Cys2800Arg). This variant is not present in population databases (gnomAD no frequency). This variant has not been reported in the literature in individuals affected with RELN-related conditions. Advanced modeling of protein sequence and biophysical properties (such as structural, functional, and spatial information, amino acid conservation, physicochemical variation, residue mobility, and thermodynamic stability) performed at Invitae indicates that this missense variant is not expected to disrupt RELN protein function. In summary, the available evidence is currently insufficient to determine the role of this variant in disease. Therefore, it has been classified as a Variant of Uncertain Significance.

NM_005045.4(RELN):c.8398T>C (p.Cys2800Arg)

Genes: SLC26A5-AS1 (SLC26A5 antisense RNA 1; plus strand), RELN (reelin; minus strand). Cytogenetic location: 7q22.1.
Variant type: single nucleotide variant.
Coding change: c.8398T>C on transcript NM_005045.4 (MANE Select); coding-DNA position 8398, T replaced by C.
Protein change: p.Cys2800Arg; replaces cysteine 2800 with arginine.
Molecular consequence: missense variant.
Genome position (GRCh38, 1-based): chr7:103,503,107, A>G on the plus strand (T>C on the coding strand, the complement: RELN is on the minus strand). VCF-style: chr7-103503107-A-G. GRCh37 (hg19) VCF-style: chr7-103143554-A-G.
Other names: c.8398T>C, p.Cys2800Arg (NM_173054.3); short protein forms C2800R.
Identifiers: ClinVar variation 2949490 (VCV002949490.3), dbSNP rs2484714974, ClinGen allele CA368757146.